The following is an entry in ClinVar:

ClinVar aggregate classification (germline): Uncertain significance. Review status: criteria provided, multiple submitters, no conflicts (2 of 4 stars). 4 submissions from 4 submitters: Uncertain significance (4). Last evaluated 2024-08-06.

Conditions:
Malignant hyperthermia, susceptibility to, 1 (MHS1). Also called: RYR1-Related Malignant Hyperthermia Susceptibility; Malignant hyperthermia suceptibility 1; Anesthesia related hyperthermia; Malignant hyperpyrexia; Fulminating hyperpyrexia; Pharmacogenic myopathy. Identifiers: Orphanet 423, MedGen C2930980, MONDO:0007783, OMIM 145600.
Central core myopathy (CMYO1A). Also called: Central core disease; Myopathy, central fibrillar; CONGENITAL MYOPATHY 1A, AUTOSOMAL DOMINANT, WITH SUSCEPTIBILITY TO MALIGNANT HYPERTHERMIA. Identifiers: Orphanet 597, MedGen C5830701, MONDO:0007294, OMIM 117000.
Congenital myopathy with fiber type disproportion. Also called: Congenital fiber-type disproportion myopathy; Congenital fiber-type disproportion. Identifiers: Orphanet 2020, MedGen C0546264, MONDO:0009711. Inheritance: all.
Congenital multicore myopathy with external ophthalmoplegia (CMYO1B). Also called: Minicore myopathy with external ophthalmoplegia; MULTIMINICORE DISEASE WITH EXTERNAL OPHTHALMOPLEGIA; Congenital myopathy 1B, autosomal recessive; Minicore myopathy; MULTICORE MYOPATHY. Identifiers: Orphanet 598, Orphanet 98905, MedGen C1850674, MONDO:0009712, OMIM 255320, HP:0003789.
King Denborough syndrome (KDS). Identifiers: MedGen C1840365, MONDO:0020485, OMIM 619542.
RYR1-related disorder. Also called: RYR1-related disorders; RYR1-related condition. Identifiers: MedGen CN239331.

Allele frequency attached by ClinVar (database versions not stated): gnomAD 0.00001; gnomAD exomes 0.00002 and 0.00004; TOPMed 0.00002; ExAC 0.00003.
gnomAD v4.1: 11 of 1,597,998 alleles (0.00069%); highest among the groups gnomAD compares: Admixed American, 0.017%; no homozygotes.

Submissions (4):

All of Us Research Program, National Institutes of Health
Classification: Uncertain significance for Malignant hyperthermia, susceptibility to, 1. Last evaluated: 2024-08-06. Review status: criteria provided, single submitter. Criteria: ACMG Guidelines, 2015. Collection method: clinical testing. Allele origin: germline. Inheritance: Autosomal dominant inheritance. Observed: 3 variant alleles, 3 heterozygotes.
Comment: This missense variant replaces glutamic acid with lysine at codon 2347 of the RYR1 protein. Computational prediction suggests that this variant may have deleterious impact on protein structure and function (internally defined REVEL score threshold >= 0.7, PMID: 27666373). To our knowledge, functional studies have not been reported for this variant. This variant has not been reported in individuals affected with RYR1-related disorders in the literature. This variant has been identified in 9/238760 chromosomes in the general population by the Genome Aggregation Database (gnomAD). The available evidence is insufficient to determine the role of this variant in disease conclusively. Therefore, this variant is classified as a Variant of Uncertain Significance.

This study involves interpretation of variants in research participants for the purpose of population health screening. Participant phenotype was not available at the time of variant classification. Additional details can be found in publication PMID: 35346344, PMCID: PMC8962531

Color Diagnostics, LLC DBA Color Health
Classification: Uncertain significance for Malignant hyperthermia, susceptibility to, 1. Last evaluated: 2023-10-11. Review status: criteria provided, single submitter. Criteria: ACMG Guidelines, 2015. Collection method: clinical testing. Allele origin: germline.
Comment: This missense variant replaces glutamic acid with lysine at codon 2347 of the RYR1 protein. Computational prediction suggests that this variant may have deleterious impact on protein structure and function. To our knowledge, functional studies have not been reported for this variant. This variant has not been reported in individuals affected with RYR1-related disorders in the literature. This variant has been identified in 9/238760 chromosomes in the general population by the Genome Aggregation Database (gnomAD). The available evidence is insufficient to determine the role of this variant in disease conclusively. Therefore, this variant is classified as a Variant of Uncertain Significance.

Labcorp Genetics (formerly Invitae), Labcorp
Classification: Uncertain significance for RYR1-related disorder. Last evaluated: 2022-07-26. Review status: criteria provided, single submitter. Criteria: Invitae Variant Classification Sherloc (09022015). Collection method: clinical testing. Allele origin: germline.
Comment: This sequence change replaces glutamic acid, which is acidic and polar, with lysine, which is basic and polar, at codon 2347 of the RYR1 protein (p.Glu2347Lys). This variant is present in population databases (rs750951875, gnomAD 0.03%). This variant has not been reported in the literature in individuals affected with RYR1-related conditions. ClinVar contains an entry for this variant (Variation ID: 1501089). Advanced modeling of protein sequence and biophysical properties (such as structural, functional, and spatial information, amino acid conservation, physicochemical variation, residue mobility, and thermodynamic stability) performed at Invitae indicates that this missense variant is expected to disrupt RYR1 protein function. In summary, the available evidence is currently insufficient to determine the role of this variant in disease. Therefore, it has been classified as a Variant of Uncertain Significance.

Fulgent Genetics
Classification: Uncertain significance for Central core myopathy; Malignant hyperthermia, susceptibility to, 1; Congenital myopathy 4A, autosomal dominant; Congenital multicore myopathy with external ophthalmoplegia; King Denborough syndrome. Last evaluated: 2021-11-08. Review status: criteria provided, single submitter. Criteria: ACMG Guidelines, 2015. Collection method: clinical testing. Allele origin: unknown.

NM_000540.3(RYR1):c.7039G>A (p.Glu2347Lys)

Gene: RYR1 (ryanodine receptor 1; plus strand). Cytogenetic location: 19q13.2.
Variant type: single nucleotide variant.
Coding change: c.7039G>A on transcript NM_000540.3 (MANE Select); coding-DNA position 7039, G replaced by A.
Protein change: p.Glu2347Lys; replaces glutamic acid 2347 with lysine.
Molecular consequence: missense variant.
Genome position (GRCh38, 1-based): chr19:38,499,646, G>A. VCF-style: chr19-38499646-G-A. GRCh37 (hg19) VCF-style: chr19-38990286-G-A.
Other names: c.7039G>A, p.Glu2347Lys (NM_001042723.2); short protein forms E2347K.
Identifiers: ClinVar variation 1501089 (VCV001501089.9), dbSNP rs750951875, ClinGen allele CA069061.